The following is an entry in ClinVar:

NM_007347.5(AP4E1):c.1984T>C (p.Tyr662His)

Gene: AP4E1 (adaptor related protein complex 4 subunit epsilon 1; plus strand). Cytogenetic location: 15q21.2.
Variant type: single nucleotide variant.
Coding change: c.1984T>C on transcript NM_007347.5 (MANE Select); coding-DNA position 1984, T replaced by C.
Protein change: p.Tyr662His; replaces tyrosine 662 with histidine.
Molecular consequence: missense variant.
Genome position (GRCh38, 1-based): chr15:50,984,039, T>C. VCF-style: chr15-50984039-T-C. GRCh37 (hg19) VCF-style: chr15-51276236-T-C.
Other names: c.1759T>C, p.Tyr587His (NM_001252127.2); short protein forms Y587H, Y662H.
Identifiers: ClinVar variation 1486758 (VCV001486758.6), dbSNP rs1171557600, ClinGen allele CA392418908.

ClinVar aggregate classification (germline): Uncertain significance (1 of 4 stars; one submission).

Conditions:
Spastic paraplegia. Identifiers: MedGen C0037772, HP:0001258.

gnomAD v4.1: 4 of 1,613,176 alleles (0.00025%); highest among the groups gnomAD compares: Non-Finnish European, 0.00034%; no homozygotes.

Submission:

Labcorp Genetics (formerly Invitae), Labcorp
Classification: Uncertain significance for Spastic paraplegia. Last evaluated: 2022-06-05. Review status: criteria provided, single submitter. Criteria: Invitae Variant Classification Sherloc (09022015). Collection method: clinical testing. Allele origin: germline.
Comment: This sequence change replaces tyrosine, which is neutral and polar, with histidine, which is basic and polar, at codon 662 of the AP4E1 protein (p.Tyr662His). This variant is not present in population databases (gnomAD no frequency). This variant has not been reported in the literature in individuals affected with AP4E1-related conditions. ClinVar contains an entry for this variant (Variation ID: 1486758). Algorithms developed to predict the effect of missense changes on protein structure and function are either unavailable or do not agree on the potential impact of this missense change (SIFT: "Deleterious"; PolyPhen-2: "Probably Damaging"; Align-GVGD: "Class C0"). In summary, the available evidence is currently insufficient to determine the role of this variant in disease. Therefore, it has been classified as a Variant of Uncertain Significance.